The following is an entry in ClinVar:

NM_004991.4(MECOM):c.2772-7A>G

Gene: MECOM (MDS1 and EVI1 complex locus; minus strand). Cytogenetic location: 3q26.2.
Variant type: single nucleotide variant.
Coding change: c.2772-7A>G on transcript NM_004991.4 (MANE Select); 7 bases into the intron before coding-DNA position 2772, A replaced by G.
Molecular consequence: intron variant.
Genome position (GRCh38, 1-based): chr3:169,100,969, T>C on the plus strand (A>G on the coding strand, the complement: MECOM is on the minus strand). VCF-style: chr3-169100969-T-C. GRCh37 (hg19) VCF-style: chr3-168818757-T-C.
Other names: c.2208-7A>G (NM_001205194.2, NM_001366469.2, NM_001105078.4 and 2 more transcripts); c.1773-7A>G (NM_001366473.2); c.2745-7A>G (NM_001366466.2); c.1209-7A>G (NM_001366474.2); c.2181-7A>G (NM_001164000.2, NM_001366471.2, NM_001366472.2); c.2184-7A>G (NM_001366470.2, NM_001163999.2); c.2211-7A>G (NM_001366467.2, NM_001366468.2); c.2403-7A>G (NM_001105077.4).
Identifiers: ClinVar variation 2044942 (VCV002044942.8), dbSNP rs372921435, ClinGen allele CA2696045.

ClinVar aggregate classification (germline): Benign. Review status: criteria provided, single submitter (1 of 4 stars). 3 submissions from 3 submitters: Benign (1). 2 of the submissions do not count toward it. Last evaluated 2026-02-01.

Conditions:
MECOM-related disorder. Also called: MECOM-related condition.

Allele frequency attached by ClinVar (database versions not stated): gnomAD exomes 0.00008; ExAC 0.00022; 1000 Genomes Project 0.00040; 1000 Genomes Project 30x 0.00047; ESP Exome Variant Server 0.00062; gnomAD 0.00084; TOPMed 0.00094.
gnomAD v4.1: 241 of 1,604,706 alleles (0.015%); highest among the groups gnomAD compares: African/African-American, 0.3%; 2 homozygotes.

Submissions (3):

Labcorp Genetics (formerly Invitae), Labcorp
Classification: Benign. Last evaluated: 2026-02-01. Review status: criteria provided, single submitter. Criteria: Invitae Variant Classification Sherloc (09022015). Collection method: clinical testing. Allele origin: germline.

PreventionGenetics, part of Exact Sciences
Classification: Likely benign for MECOM-related condition. Last evaluated: 2024-02-05. Review status: no assertion criteria provided. Collection method: clinical testing. Allele origin: germline. Not counted in ClinVar's aggregate classification.
Comment: This variant is classified as likely benign based on ACMG/AMP sequence variant interpretation guidelines (Richards et al. 2015 PMID: 25741868, with internal and published modifications).

Genetic Services Laboratory, University of Chicago
Classification: Likely benign. Last evaluated: 2022-11-02. Review status: no assertion criteria provided. Collection method: clinical testing. Allele origin: germline. Affected: no. Not counted in ClinVar's aggregate classification.